The following is an entry in ClinVar:

ClinVar aggregate classification (germline): Conflicting classifications of pathogenicity. Review status: criteria provided, conflicting classifications (1 of 4 stars). 2 submissions from 2 submitters: Uncertain significance (1); Likely benign (1). Last evaluated 2025-06-15.

Conditions:
Myofibrillar myopathy 5. Also called: Filaminopathy (type); FILAMINOPATHY, AUTOSOMAL DOMINANT. Identifiers: Orphanet 171445, MedGen C1836050, MONDO:0012289, OMIM 609524.
Distal myopathy with posterior leg and anterior hand involvement. Also called: WILLIAMS DISTAL MYOPATHY. Identifiers: Orphanet 63273, MedGen C3279722, MONDO:0013550, OMIM 614065.
Hypertrophic cardiomyopathy 26. Also called: Cardiomyopathy, familial hypertrophic, 26. Identifiers: Orphanet 75249, MedGen C4310749, MONDO:0014883, OMIM 617047.

Submissions (2):

Labcorp Genetics (formerly Invitae), Labcorp
Classification: Likely benign for Distal myopathy with posterior leg and anterior hand involvement; Myofibrillar myopathy 5; Hypertrophic cardiomyopathy 26. Last evaluated: 2025-06-15. Review status: criteria provided, single submitter. Criteria: Invitae Variant Classification Sherloc (09022015). Collection method: clinical testing. Allele origin: germline.

GeneDx
Classification: Uncertain significance. Last evaluated: 2019-05-13. Review status: criteria provided, single submitter. Criteria: GeneDx Variant Classification Process June 2021. Collection method: clinical testing. Allele origin: germline. Affected: yes.
Comment: Has not been previously published as pathogenic or benign to our knowledge; Not observed in large population cohorts (Lek et al., 2016); In silico analysis, which includes splice predictors and evolutionary conservation, suggests this variant may impact gene splicing. In the absence of RNA/functional studies, the actual effect of this sequence change is unknown.

NM_001458.5(FLNC):c.3807G>A (p.Val1269=)

Gene: FLNC (filamin C; plus strand). Cytogenetic location: 7q32.1.
Variant type: single nucleotide variant.
Coding change: c.3807G>A on transcript NM_001458.5 (MANE Select); coding-DNA position 3807, G replaced by A.
Protein change: p.Val1269=; no amino-acid change (valine 1269 retained).
Molecular consequence: synonymous variant.
Genome position (GRCh38, 1-based): chr7:128,846,006, G>A. VCF-style: chr7-128846006-G-A. GRCh37 (hg19) VCF-style: chr7-128486060-G-A.
Other names: c.3807G>A, p.Val1269= (NM_001127487.2).
Identifiers: ClinVar variation 792401 (VCV000792401.11), dbSNP rs1585161170, ClinGen allele CA457580154.